The following is an entry in ClinVar:

NM_014855.3(AP5Z1):c.*922C>T

Genes: AP5Z1 (adaptor related protein complex 5 subunit zeta 1; plus strand), LOC129997864 (ATAC-STARR-seq lymphoblastoid silent region 17903; plus strand). Cytogenetic location: 7p22.1.
Variant type: single nucleotide variant.
Coding change: c.*922C>T on transcript NM_014855.3 (MANE Select); 922 bases downstream of the stop codon, C replaced by T.
Molecular consequence: 3 prime UTR variant. On other transcripts: non-coding transcript variant (1).
Genome position (GRCh38, 1-based): chr7:4,792,307, C>T. VCF-style: chr7-4792307-C-T. GRCh37 (hg19) VCF-style: chr7-4831938-C-T.
Other names: c.*922C>T (NM_001364858.1, LRG_1247t1).
Identifiers: ClinVar variation 360370 (VCV000360370.5), dbSNP rs11971749, ClinGen allele CA10626170.

ClinVar aggregate classification (germline): Likely benign (1 of 4 stars; one submission).

Conditions:
Hereditary spastic paraplegia 48. Also called: SPASTIC PARAPLEGIA 48, AUTOSOMAL RECESSIVE; Spastic paraplegia 48. Identifiers: Orphanet 306511, MedGen C3150901, MONDO:0013342, OMIM 613647.

Allele frequency attached by ClinVar (database versions not stated): gnomAD 0.03977 and 0.04290; 1000 Genomes Project 0.04253; TOPMed 0.04687.

Submission:

Illumina Laboratory Services, Illumina
Classification: Likely benign for Hereditary spastic paraplegia 48. Last evaluated: 2017-04-27. Review status: criteria provided, single submitter. Criteria: ICSL Variant Classification Criteria 13 December 2019. Collection method: clinical testing. Allele origin: germline.
Comment: This variant was observed as part of a predisposition screen in an ostensibly healthy population. A literature search was performed for the gene, cDNA change, and amino acid change (where applicable). No publications were found based on this search. Allele frequency data from public databases allowed determination this variant is unlikely to cause disease. Therefore, this variant is classified as likely benign.